The following is an entry in ClinVar:

ClinVar aggregate classification (germline): Conflicting classifications of pathogenicity. Review status: criteria provided, conflicting classifications (1 of 4 stars). 3 submissions from 3 submitters: Uncertain significance (2); Likely benign (1). Last evaluated 2026-04-27.

Conditions:
Cardiomyopathy (CMYO). Also called: Cardiomyopathies. Identifiers: Orphanet 167848, MedGen C0878544, MONDO:0004994, HP:0001638. Inheritance: Various modes of inheritance.
Cardiovascular phenotype. Identifiers: MedGen CN230736.
Arrhythmogenic cardiomyopathy with wooly hair and keratoderma. Also called: Dilated cardiomyopathy with woolly hair and keratoderma; Arrhythmogenic cardiomyopathy with woolly hair and keratoderma; PALMOPLANTAR KERATODERMA WITH LEFT VENTRICULAR CARDIOMYOPATHY AND WOOLLY HAIR; Carvajal syndrome. Identifiers: Orphanet 65282, MedGen C1854063, MONDO:0011581, OMIM 605676.
Arrhythmogenic right ventricular dysplasia 8 (ARVD8). Also called: Arrhythmogenic Right Ventricular Dysplasia/Cardiomyopathy 8; ARRHYTHMOGENIC RIGHT VENTRICULAR DYSPLASIA, FAMILIAL, 8; ARRHYTHMOGENIC RIGHT VENTRICULAR CARDIOMYOPATHY 8. Identifiers: MedGen C1843896, MONDO:0011831, OMIM 607450.

Allele frequency attached by ClinVar (database versions not stated): gnomAD exomes 0.00001; TOPMed below 0.00001; ExAC 0.00001.
gnomAD v4.1: 3 of 1,613,468 alleles (0.00019%); highest among the groups gnomAD compares: Admixed American, 0.005%; no homozygotes.

Submissions (3):

Ambry Genetics
Classification: Uncertain significance for Cardiovascular phenotype. Last evaluated: 2026-04-27. Review status: criteria provided, single submitter. Criteria: Ambry Variant Classification Scheme 2023. Collection method: clinical testing. Allele origin: germline.
Comment: The p.D998V variant (also known as c.2993A>T), located in coding exon 22 of the DSP gene, results from an A to T substitution at nucleotide position 2993. The aspartic acid at codon 998 is replaced by valine, an amino acid with highly dissimilar properties. This amino acid position is conserved. In addition, the in silico prediction for this alteration is inconclusive. Based on the available evidence, the clinical significance of this variant remains unclear.

Labcorp Genetics (formerly Invitae), Labcorp
Classification: Likely benign for Arrhythmogenic cardiomyopathy with wooly hair and keratoderma; Arrhythmogenic right ventricular dysplasia 8. Last evaluated: 2026-01-27. Review status: criteria provided, single submitter. Criteria: Invitae Variant Classification Sherloc (09022015). Collection method: clinical testing. Allele origin: germline.

Color Diagnostics, LLC DBA Color Health
Classification: Uncertain significance for Cardiomyopathy. Last evaluated: 2024-03-07. Review status: criteria provided, single submitter. Criteria: ACMG Guidelines, 2015. Collection method: clinical testing. Allele origin: germline.
Comment: This missense variant replaces aspartic acid with valine at codon 998 of the DSP protein. Computational prediction is inconclusive regarding the impact of this variant on protein structure and function (internally defined REVEL score threshold 0.5 < inconclusive < 0.7, PMID: 27666373). To our knowledge, functional studies have not been reported for this variant. This variant has not been reported in individuals affected with cardiovascular disorders in the literature. This variant has been identified in 3/251262 chromosomes in the general population by the Genome Aggregation Database (gnomAD). The available evidence is insufficient to determine the role of this variant in disease conclusively. Therefore, this variant is classified as a Variant of Uncertain Significance.

NM_004415.4(DSP):c.2993A>T (p.Asp998Val)

Gene: DSP (desmoplakin; plus strand). Cytogenetic location: 6p24.3.
Variant type: single nucleotide variant.
Coding change: c.2993A>T on transcript NM_004415.4 (MANE Select); coding-DNA position 2993, A replaced by T.
Protein change: p.Asp998Val; replaces aspartic acid 998 with valine.
Molecular consequence: missense variant.
Genome position (GRCh38, 1-based): chr6:7,578,471, A>T. VCF-style: chr6-7578471-A-T. GRCh37 (hg19) VCF-style: chr6-7578704-A-T.
Other names: c.2993A>T, p.Asp998Val (NM_001008844.3, NM_001319034.2); short protein forms D998V.
Identifiers: ClinVar variation 1011120 (VCV001011120.13), dbSNP rs752344739, ClinGen allele CA036499.